The following is an entry in ClinVar:

ClinVar aggregate classification (germline): Uncertain significance (1 of 4 stars; one submission).

Conditions:
Fanconi anemia complementation group J. Also called: BRIP1-Related Fanconi Anemia. Identifiers: Orphanet 84, MedGen C1836860, MONDO:0012187, OMIM 609054.
Familial cancer of breast. Also called: hereditary breast carcinoma; Hereditary breast cancer; BREAST CANCER, FAMILIAL. Identifiers: Orphanet 227535, MedGen C0346153, MONDO:0016419, OMIM 114480. Disease mechanism: loss of function.

Submission:

Labcorp Genetics (formerly Invitae), Labcorp
Classification: Uncertain significance for Familial cancer of breast; Fanconi anemia complementation group J. Last evaluated: 2021-01-08. Review status: criteria provided, single submitter. Criteria: Invitae Variant Classification Sherloc (09022015). Collection method: clinical testing. Allele origin: germline.
Comment: In summary, the available evidence is currently insufficient to determine the role of this variant in disease. Therefore, it has been classified as a Variant of Uncertain Significance. This variant has not been reported in the literature in individuals with BRIP1-related conditions. Experimental studies and prediction algorithms are not available or were not evaluated, and the functional significance of this variant is currently unknown. This variant is not present in population databases (ExAC no frequency). This sequence change creates a premature translational stop signal (p.Leu1170Phefs*7) in the BRIP1 gene. While this is not anticipated to result in nonsense mediated decay, it is expected to disrupt the last 80 amino acid(s) of the BRIP1 protein.

NM_032043.3(BRIP1):c.3508del (p.Leu1170fs)

Gene: BRIP1 (BRCA1 interacting DNA helicase 1; minus strand). Cytogenetic location: 17q23.2.
Variant type: Deletion.
Coding change: c.3508del on transcript NM_032043.3 (MANE Select); coding-DNA position 3508, one base deleted (C; older notation c.3508delC).
Protein change: p.Leu1170fs; shifts the reading frame from leucine 1170.
Molecular consequence: frameshift variant.
Genome position (GRCh38, 1-based): chr17:61,683,538, G deleted on the plus strand (C on the coding strand, the reverse complement: BRIP1 is on the minus strand); the first of 2 consecutive G bases (chr17:61,683,538-61,683,539); deleting either gives the same sequence. VCF-style (leftmost placement, unchanged base first): chr17-61683537-AG-A. GRCh37 (hg19) VCF-style: chr17-59760898-AG-A.
Other names: short protein forms L1170fs.
Identifiers: ClinVar variation 1500934 (VCV001500934.7), dbSNP rs2144073489, ClinGen allele CA2573154290.